The following is an entry in ClinVar:

NM_001035.3(RYR2):c.12685C>T (p.Gln4229Ter)

Genes: RYR2 (ryanodine receptor 2; plus strand), LOC126806068 (BRD4-independent group 4 enhancer GRCh37_chr1:237947411-237948610; plus strand). Cytogenetic location: 1q43.
Variant type: single nucleotide variant.
Coding change: c.12685C>T on transcript NM_001035.3 (MANE Select); coding-DNA position 12685, C replaced by T.
Protein change: p.Gln4229Ter; replaces glutamine 4229 with a stop codon.
Molecular consequence: nonsense.
Genome position (GRCh38, 1-based): chr1:237,784,397, C>T. VCF-style: chr1-237784397-C-T. GRCh37 (hg19) VCF-style: chr1-237947697-C-T.
Other names: c.12685C>T, p.Gln4229Ter (LRG_402t1); short protein forms Q4229*.
Identifiers: ClinVar variation 519497 (VCV000519497.5), dbSNP rs1553323067, ClinGen allele CA345413915.
Genomic context (GRCh38, chr1:237,784,397, plus strand): 5'-TCGGACTTGAACGAGAGGTCAGCGAATAAGGAAGAAAGCGAGAAGGAGAGGCCGGAAGAG[C>T]AGGGGCCGAGGATGGCTTTCTTCTCCATTCTGACGGTCAGGTCGGCCCTGTTTGCGCTCA-3'

ClinVar aggregate classification (germline): Uncertain significance (1 of 4 stars; one submission).

Conditions:
Cardiovascular phenotype. Identifiers: MedGen CN230736.

Submission:

Ambry Genetics
Classification: Uncertain significance for Cardiovascular phenotype. Last evaluated: 2017-09-02. Review status: criteria provided, single submitter. Criteria: Ambry Variant Classification Scheme 2023. Collection method: clinical testing. Allele origin: germline.
Comment: The p.Q4229* variant (also known as c.12685C>T), located in coding exon 90 of the RYR2 gene, results from a C to T substitution at nucleotide position 12685. This changes the amino acid from a glutamine to a stop codon within coding exon 90. This alteration is expected to result in loss of function by premature protein truncation or nonsense-mediated mRNA decay. However, loss of function of RYR2 has not been clearly established as a mechanism of disease. Since supporting evidence is limited at this time, the clinical significance of this alteration remains unclear.